The following is an entry in ClinVar:

NM_025215.6(PUS1):c.485_486insTCAGG (p.Ile163fs)

Gene: PUS1 (pseudouridine synthase 1; plus strand). Cytogenetic location: 12q24.33.
Variant type: Insertion.
Coding change: c.485_486insTCAGG on transcript NM_025215.6 (MANE Select); coding-DNA positions 485 to 486, TCAGG inserted.
Protein change: p.Ile163fs; shifts the reading frame from isoleucine 163.
Molecular consequence: frameshift variant.
Genome position: GRCh38 VCF-style: chr12-131939216-T-TTCAGG. GRCh37 (hg19) VCF-style: chr12-132423761-T-TTCAGG.
Other names: c.401_402insTCAGG, p.Ile135fs (NM_001002019.3, NM_001002020.3); short protein forms I135fs, I163fs.
Identifiers: ClinVar variation 5015125 (VCV005015125.1).

ClinVar aggregate classification (germline): Pathogenic (1 of 4 stars; one submission).

Conditions:
Myopathy, lactic acidosis, and sideroblastic anemia 1 (MLASA1). Identifiers: Orphanet 2598, MedGen C4551958, MONDO:0024553, OMIM 600462.

Submission:

Myriad Genetics, Inc.
Classification: Pathogenic for Myopathy, lactic acidosis, and sideroblastic anemia 1. Last evaluated: 2024-05-14. Review status: criteria provided, single submitter. Criteria: Myriad Autosomal Dominant, Autosomal Recessive and X-Linked Classification Criteria (2023). Collection method: clinical testing. Allele origin: unknown.
Comment: NM_025215.5(PUS1):c.485_486ins5(I163Qfs*7) is expected to be pathogenic in the context of myopathy, lactic acidosis, and sideroblastic anemia 1. This variant is predicted to lead to an abnormal or absent protein product due to the creation of a premature termination codon in PUS1, a gene where loss-of-function variants are known to be pathogenic. Please note: this variant was assessed in the context of healthy population screening.